The following is an entry in ClinVar:

NM_003579.4(RAD54L):c.1899G>C (p.Gln633His)

Genes: LRRC41 (leucine rich repeat containing 41; minus strand), RAD54L (RAD54 like; plus strand). Cytogenetic location: 1p34.1.
Variant type: single nucleotide variant.
Coding change: c.1899G>C on transcript NM_003579.4 (MANE Select); coding-DNA position 1899, G replaced by C.
Protein change: p.Gln633His; replaces glutamine 633 with histidine.
Molecular consequence: missense variant. On other transcripts: 3 prime UTR variant (1).
Genome position (GRCh38, 1-based): chr1:46,277,846, G>C. VCF-style: chr1-46277846-G-C. GRCh37 (hg19) VCF-style: chr1-46743518-G-C.
Other names: c.*1019C>G (NM_006369.5); c.1899G>C, p.Gln633His (NM_001142548.2); c.1359G>C, p.Gln453His (NM_001370766.1); short protein forms Q633H, Q453H.
Identifiers: ClinVar variation 3312469 (VCV003312469.1).

ClinVar aggregate classification (germline): Uncertain significance (1 of 4 stars; one submission).

Submission:

Ambry Genetics
Classification: Uncertain significance. Last evaluated: 2024-05-04. Review status: criteria provided, single submitter. Criteria: Ambry Variant Classification Scheme 2023. Collection method: clinical testing. Allele origin: germline.
Comment: The p.Q633H variant (also known as c.1899G>C), located in coding exon 17 of the RAD54L gene, results from a G to C substitution at nucleotide position 1899. The glutamine at codon 633 is replaced by histidine, an amino acid with highly similar properties. This amino acid position is conserved. In addition, the in silico prediction for this alteration is inconclusive. Based on the available evidence, the clinical significance of this variant remains unclear.